The following is an entry in ClinVar:

ClinVar aggregate classification (germline): Likely benign. Review status: criteria provided, single submitter (1 of 4 stars). 2 submissions from 2 submitters: Likely benign (1). 1 of the submissions does not count toward it. Last evaluated 2025-12-30.

Conditions:
FBN3-related disorder. Also called: FBN3-related condition.

Submissions (2):

Labcorp Genetics (formerly Invitae), Labcorp
Classification: Likely benign. Last evaluated: 2025-12-30. Review status: criteria provided, single submitter. Criteria: Invitae Variant Classification Sherloc (09022015). Collection method: clinical testing. Allele origin: germline.

PreventionGenetics, part of Exact Sciences
Classification: Likely benign for FBN3-related condition. Last evaluated: 2019-12-05. Review status: no assertion criteria provided. Collection method: clinical testing. Allele origin: germline. Not counted in ClinVar's aggregate classification.
Comment: This variant is classified as likely benign based on ACMG/AMP sequence variant interpretation guidelines (Richards et al. 2015 PMID: 25741868, with internal and published modifications).

NM_032447.5(FBN3):c.5287+9_5287+21del

Gene: FBN3 (fibrillin 3; minus strand). Cytogenetic location: 19p13.2.
Variant type: Deletion.
Coding change: c.5287+9_5287+21del on transcript NM_032447.5 (MANE Select); bases 9 to 21 of the intron after coding-DNA position 5287, 13 bases deleted (TCTCCCTGTTCCC).
Molecular consequence: intron variant.
Genome position (GRCh38, 1-based): chr19:8,097,268-8,097,280, GGGAACAGGGAGA deleted on the plus strand (TCTCCCTGTTCCC on the coding strand, the reverse complement: FBN3 is on the minus strand); deleting any 13 consecutive bases within chr19:8,097,268-8,097,282 gives the same sequence; the c. name uses the placement nearest the transcript's 3' end. VCF-style (leftmost placement, unchanged base first): chr19-8097267-TGGGAACAGGGAGA-T. GRCh37 (hg19) VCF-style: chr19-8162151-TGGGAACAGGGAGA-T.
Other names: c.5287+9_5287+21del (NM_001321431.2); c.5287+9_5287+21del13 (NM_001321431.1).
Identifiers: ClinVar variation 1563355 (VCV001563355.10), dbSNP rs757825234, ClinGen allele CA9151725.